The following is an entry in ClinVar:

NM_024422.6(DSC2):c.575C>T (p.Thr192Ile)

Gene: DSC2 (desmocollin 2; minus strand). Cytogenetic location: 18q12.1.
Variant type: single nucleotide variant.
Coding change: c.575C>T on transcript NM_024422.6 (MANE Select); coding-DNA position 575, C replaced by T.
Protein change: p.Thr192Ile; replaces threonine 192 with isoleucine.
Molecular consequence: missense variant.
Genome position (GRCh38, 1-based): chr18:31,089,494, G>A on the plus strand (C>T on the coding strand, the complement: DSC2 is on the minus strand). VCF-style: chr18-31089494-G-A. GRCh37 (hg19) VCF-style: chr18-28669457-G-A.
Other names: c.575C>T, p.Thr192Ile (NM_004949.5); short protein forms T192I.
Identifiers: ClinVar variation 1375247 (VCV001375247.6), dbSNP rs2144838831, ClinGen allele CA402113554.
Genomic context (GRCh38, chr18:31,089,494, plus strand): 5'-TTTACCTCAAAAGATTCATACTGCTCACGATCTACAGGACGAGTACAATACAAGTTTCCA[G>A]TGTCTCTCTCCACATAAAATAAATTCCGAGGTTCTTGGTCAACTCCAGGACCTCTTATGG-3'
Protein context (NP_077740.1, residues 182-202): PRNLFYVERD[Thr192Ile]GNLYCTRPVD

ClinVar aggregate classification (germline): Uncertain significance (1 of 4 stars; one submission).

Conditions:
Arrhythmogenic right ventricular dysplasia 11. Also called: Arrhythmogenic right ventricular dysplasia 11 with mild palmoplantar keratoderma and woolly hair; Arrhythmogenic Right Ventricular Dysplasia/Cardiomyopathy11; ARRHYTHMOGENIC RIGHT VENTRICULAR DYSPLASIA, FAMILIAL, 11. Identifiers: MedGen C1864850, MONDO:0012506, OMIM 610476.

Allele frequency attached by ClinVar (database versions not stated): gnomAD exomes below 0.00001.
gnomAD v4.1: 1 of 1,614,008 alleles (0.000062%); highest among the groups gnomAD compares: Non-Finnish European, 0.000085%; no homozygotes.

Submission:

Labcorp Genetics (formerly Invitae), Labcorp
Classification: Uncertain significance for Arrhythmogenic right ventricular dysplasia 11. Last evaluated: 2022-05-12. Review status: criteria provided, single submitter. Criteria: Invitae Variant Classification Sherloc (09022015). Collection method: clinical testing. Allele origin: germline.
Comment: This sequence change replaces threonine, which is neutral and polar, with isoleucine, which is neutral and non-polar, at codon 192 of the DSC2 protein (p.Thr192Ile). This variant is not present in population databases (gnomAD no frequency). This variant has not been reported in the literature in individuals affected with DSC2-related conditions. Algorithms developed to predict the effect of missense changes on protein structure and function (SIFT, PolyPhen-2, Align-GVGD) all suggest that this variant is likely to be disruptive. In summary, the available evidence is currently insufficient to determine the role of this variant in disease. Therefore, it has been classified as a Variant of Uncertain Significance.